The following is an entry in ClinVar:

ClinVar aggregate classification (germline): Uncertain significance. Review status: criteria provided, multiple submitters, no conflicts (2 of 4 stars). 3 submissions from 3 submitters: Uncertain significance (3). Last evaluated 2025-10-26.

Conditions:
Cardiovascular phenotype. Identifiers: MedGen CN230736.
Primary dilated cardiomyopathy (DCM). Also called: Dilated Cardiomyopathy. Identifiers: Orphanet 217604, MedGen C0007193, MeSH D002311, MONDO:0005021, HP:0001644. Inheritance: Various modes of inheritance.

Allele frequency attached by ClinVar (database versions not stated): ExAC 0.00002; TOPMed 0.00004; gnomAD 0.00005.
gnomAD v4.1: 158 of 1,613,832 alleles (0.0098%); highest among the groups gnomAD compares: Non-Finnish European, 0.012%; no homozygotes.

Submissions (3):

Labcorp Genetics (formerly Invitae), Labcorp
Classification: Uncertain significance for Primary dilated cardiomyopathy. Last evaluated: 2025-10-26. Review status: criteria provided, single submitter. Criteria: Invitae Variant Classification Sherloc (09022015). Collection method: clinical testing. Allele origin: germline.
Comment: This sequence change replaces valine, which is neutral and non-polar, with leucine, which is neutral and non-polar, at codon 284 of the TXNRD2 protein (p.Val284Leu). This variant is present in population databases (rs201177571, gnomAD 0.005%). This missense change has been observed in individual(s) with dilated cardiomyopathy (PMID: 31983221). ClinVar contains an entry for this variant (Variation ID: 240656). Invitae Evidence Modeling of protein sequence and biophysical properties (such as structural, functional, and spatial information, amino acid conservation, physicochemical variation, residue mobility, and thermodynamic stability) indicates that this missense variant is not expected to disrupt TXNRD2 protein function with a negative predictive value of 80%. In summary, the available evidence is currently insufficient to determine the role of this variant in disease. Therefore, it has been classified as a Variant of Uncertain Significance.

Ambry Genetics
Classification: Uncertain significance for Cardiovascular phenotype. Last evaluated: 2024-08-19. Review status: criteria provided, single submitter. Criteria: Ambry Variant Classification Scheme 2023. Collection method: clinical testing. Allele origin: germline.
Comment: The p.V284L variant (also known as c.850G>C), located in coding exon 11 of the TXNRD2 gene, results from a G to C substitution at nucleotide position 850. The valine at codon 284 is replaced by leucine, an amino acid with highly similar properties. This amino acid position is not well conserved in available vertebrate species, and leucine is the reference amino acid in other vertebrate species. In addition, this alteration is predicted to be tolerated by in silico analysis. Since supporting evidence is limited at this time, the clinical significance of this alteration remains unclear.

GeneDx
Classification: Uncertain significance. Last evaluated: 2020-11-27. Review status: criteria provided, single submitter. Criteria: GeneDx Variant Classification Process June 2021. Collection method: clinical testing. Allele origin: germline. Affected: yes.
Comment: Reported in ClinVar as a variant of uncertain significance (ClinVar Variant ID# 240656; Landrum et al., 2016); In silico analysis supports that this missense variant does not alter protein structure/function; This variant is associated with the following publications: (PMID: 31983221)

Literature cited by the submitters: PubMed 31983221 (cited by Labcorp Genetics (formerly Invitae), Labcorp).

NM_006440.5(TXNRD2):c.850G>C (p.Val284Leu)

Gene: TXNRD2 (thioredoxin reductase 2; minus strand). Cytogenetic location: 22q11.21.
Variant type: single nucleotide variant.
Coding change: c.850G>C on transcript NM_006440.5 (MANE Select); coding-DNA position 850, G replaced by C.
Protein change: p.Val284Leu; replaces valine 284 with leucine.
Molecular consequence: missense variant. On other transcripts: non-coding transcript variant (1).
Genome position (GRCh38, 1-based): chr22:19,895,506, C>G on the plus strand (G>C on the coding strand, the complement: TXNRD2 is on the minus strand). VCF-style: chr22-19895506-C-G. GRCh37 (hg19) VCF-style: chr22-19883029-C-G.
Other names: c.850G>C, p.Val284Leu (NM_001282512.3); c.847G>C, p.Val283Leu (NM_001352300.2); c.760G>C, p.Val254Leu (NM_001352301.2); c.562G>C, p.Val188Leu (NM_001352302.2); c.754G>C, p.Val252Leu (NM_001352303.2); short protein forms V284L, V188L, V283L, V252L, V254L.
Identifiers: ClinVar variation 240656 (VCV000240656.15), dbSNP rs201177571, ClinGen allele CA10103958.